The following is an entry in ClinVar:

ClinVar aggregate classification (germline): Uncertain significance (1 of 4 stars; one submission).

Conditions:
Chuvash polycythemia. Also called: POLYCYTHEMIA, VHL-DEPENDENT. Identifiers: Orphanet 238557, MedGen C1837915, MONDO:0009892, OMIM 263400.
Von Hippel-Lindau syndrome (VHLS). Also called: Von Hippel-Lindau; von Hippel–Lindau syndrome; VHL syndrome. Identifiers: Orphanet 892, MedGen C0019562, MONDO:0008667, OMIM 193300. Disease mechanism: loss of function.

Submission:

Labcorp Genetics (formerly Invitae), Labcorp
Classification: Uncertain significance for Von Hippel-Lindau syndrome; Chuvash polycythemia. Last evaluated: 2020-02-26. Review status: criteria provided, single submitter. Criteria: Invitae Variant Classification Sherloc (09022015). Collection method: clinical testing. Allele origin: germline.
Comment: This variant has not been reported in the literature in individuals with VHL-related conditions. In summary, the available evidence is currently insufficient to determine the role of this variant in disease. Therefore, it has been classified as a Variant of Uncertain Significance. This variant has been reported to affect VHL protein function (PMID: 15611064). This variant is not present in population databases (ExAC no frequency). This sequence change replaces arginine with cysteine at codon 69 of the VHL protein (p.Arg69Cys). The arginine residue is moderately conserved and there is a large physicochemical difference between arginine and cysteine.

Literature cited by the submitters: PubMed 15611064.

NM_000551.4(VHL):c.205C>T (p.Arg69Cys)

Gene: VHL (von Hippel-Lindau tumor suppressor; plus strand). Cytogenetic location: 3p25.3.
Variant type: single nucleotide variant.
Coding change: c.205C>T on transcript NM_000551.4 (MANE Select); coding-DNA position 205, C replaced by T.
Protein change: p.Arg69Cys; replaces arginine 69 with cysteine.
Molecular consequence: missense variant.
Genome position (GRCh38, 1-based): chr3:10,142,052, C>T. VCF-style: chr3-10142052-C-T. GRCh37 (hg19) VCF-style: chr3-10183736-C-T.
Other names: c.205C>T, p.Arg69Cys (NM_001354723.2, NM_198156.3); short protein forms R69C.
Identifiers: ClinVar variation 1059402 (VCV001059402.11), dbSNP rs1428175816, ClinGen allele CA351748924.
Genomic context (GRCh38, chr3:10,142,052, plus strand): 5'-GGCGCCGAGGAGGAGATGGAGGCCGGGCGGCCGCGGCCCGTGCTGCGCTCGGTGAACTCG[C>T]GCGAGCCCTCCCAGGTCATCTTCTGCAATCGCAGTCCGCGCGTCGTGCTGCCCGTATGGC-3'
Protein context (NP_000542.1, residues 59-79): PRPVLRSVNS[Arg69Cys]EPSQVIFCNR